The following is an entry in ClinVar:

NM_014258.4(SYCP2):c.276A>T (p.Ile92=)

Gene: SYCP2 (synaptonemal complex protein 2; minus strand). Cytogenetic location: 20q13.33.
Variant type: single nucleotide variant.
Coding change: c.276A>T on transcript NM_014258.4 (MANE Select); coding-DNA position 276, A replaced by T.
Protein change: p.Ile92=; no amino-acid change (isoleucine 92 retained).
Molecular consequence: synonymous variant.
Genome position (GRCh38, 1-based): chr20:59,920,380, T>A on the plus strand (A>T on the coding strand, the complement: SYCP2 is on the minus strand). VCF-style: chr20-59920380-T-A. GRCh37 (hg19) VCF-style: chr20-58495435-T-A.
Identifiers: ClinVar variation 3341622 (VCV003341622.16).
Genomic context (GRCh38, chr20:59,920,380, plus strand): 5'-ATTTCATTCACATGAATATGTTACATATTCTATACTTATCTTTTGTATTAGTCCTTGTTT[T>A]ATCATCGTTAGAAGTCCAGCTTGCCCCAATACACTGATATTTTTGCCACATCTTCCAACA-3'
Protein context (NP_055073.2, residues 82-102): VLGQAGLLTM[Ile92=]KQGLIQKMVA

ClinVar aggregate classification (germline): Likely benign (1 of 4 stars; one submission).

gnomAD v4.1: 58 of 1,608,624 alleles (0.0036%); highest among the groups gnomAD compares: Middle Eastern, 0.4%; 1 homozygote.

Submission:

CeGaT Center for Human Genetics Tuebingen
Classification: Likely benign. Last evaluated: 2024-08-01. Review status: criteria provided, single submitter. Criteria: CeGaT Center For Human Genetics Tuebingen Variant Classification Criteria Version 2. Collection method: clinical testing. Allele origin: germline. Affected: yes. Observed: 1 variant allele.
Comment: SYCP2: BP4, BP7